The following is an entry in ClinVar:

NM_017514.5(PLXNA3):c.559A>G (p.Ile187Val)

Gene: PLXNA3 (plexin A3; plus strand). Cytogenetic location: Xq28.
Variant type: single nucleotide variant.
Coding change: c.559A>G on transcript NM_017514.5 (MANE Select); coding-DNA position 559, A replaced by G.
Protein change: p.Ile187Val; replaces isoleucine 187 with valine.
Molecular consequence: missense variant.
Genome position (GRCh38, 1-based): chrX:154,460,742, A>G. VCF-style: chrX-154460742-A-G. GRCh37 (hg19) VCF-style: chrX-153689082-A-G.
Other names: short protein forms I187V.
Identifiers: ClinVar variation 4978316 (VCV004978316.1).
Genomic context (GRCh38, chrX:154,460,742, plus strand): 5'-GTGGGCACTGCTGTCGACGGCAAGTCGGAGTACTTCCCCACCTTGAGCTCCCGCAAGCTC[A>G]TCAGTGATGAAGACAGCGCGGACATGTTCAGTCTCGTGCGTGAGCCTTCCTTCTCTTCTT-3'
Protein context (NP_059984.3, residues 177-197): YFPTLSSRKL[Ile187Val]SDEDSADMFS

ClinVar aggregate classification (germline): Uncertain significance (1 of 4 stars; one submission).

Conditions:
PLXNA3-related disorder. Also called: PLXNA3-related condition.

gnomAD v4.1: 15 of 1,131,118 alleles (0.0013%); highest among the groups gnomAD compares: Admixed American, 0.044%; no homozygotes.

Submission:

PreventionGenetics, part of Exact Sciences
Classification: Uncertain significance for PLXNA3-related condition. Last evaluated: 2026-03-09. Review status: criteria provided, single submitter. Criteria: ACMG Guidelines, 2015. Collection method: clinical testing. Allele origin: germline.
Comment: The PLXNA3 c.559A>G variant is predicted to result in the amino acid substitution p.Ile187Val. To our knowledge, this variant has not been reported in the literature. This variant is reported in 0.080% of alleles in individuals of Latino descent in gnomAD including three hemizygous individuals, which is more common than expected for a primary cause of disease. Although we suspect that this variant may be benign, at this time, the clinical significance is uncertain due to the absence of conclusive functional and genetic evidence.